The following is an entry in ClinVar:

ClinVar aggregate classification (germline): Uncertain significance (1 of 4 stars; one submission).

Conditions:
Tuberous sclerosis 1 (TSC1). Identifiers: Orphanet 805, MedGen C1854465, MONDO:0008612, OMIM 191100.

Submission:

Victorian Clinical Genetics Services, Murdoch Childrens Research Institute
Classification: Uncertain significance for Tuberous sclerosis 1. Last evaluated: 2021-05-06. Review status: criteria provided, single submitter. Criteria: ACMG Guidelines, 2015. Collection method: clinical testing. Allele origin: germline. Inheritance: Autosomal dominant inheritance. Affected: yes.
Comment: Based on the classification scheme VCGS_Germline_v1.3.4, this variant is classified as VUS-3A. Following criteria are met: 0102 - Loss of function is a known mechanism of disease in this gene and is associated with Tuberous sclerosis (MIM#1191100). (I) 0107 - This gene is associated with autosomal dominant disease. (I) 0212 - Non-canonical splice site variant without proven consequence on splicing (no functional evidence available). (SP) 0251 - This variant is heterozygous. (I) 0301 - Variant is absent from gnomAD (both v2 and v3). (SP) 0508 - In silico predictions for abnormal splicing are conflicting. However, the nucleotide is very highly conserved. (I) 0705 - No comparable variants affecting the same splice region have previous evidence for pathogenicity. (I) 0807 - This variant has no previous evidence of pathogenicity. (I) 0905 - No published segregation evidence has been identified for this variant. (I) 1007 - No published functional evidence has been identified for this variant. (SP) Legend: (SP) - Supporting pathogenic, (I) - Information, (SB) - Supporting benign

NM_000368.5(TSC1):c.2502G>A (p.Lys834=)

Gene: TSC1 (TSC complex subunit 1; minus strand). Cytogenetic location: 9q34.13.
Variant type: single nucleotide variant.
Coding change: c.2502G>A on transcript NM_000368.5 (MANE Select); coding-DNA position 2502, G replaced by A.
Protein change: p.Lys834=; no amino-acid change (lysine 834 retained).
Molecular consequence: synonymous variant. On other transcripts: intron variant (8), non-coding transcript variant (5).
Genome position (GRCh38, 1-based): chr9:132,901,589, C>T on the plus strand (G>A on the coding strand, the complement: TSC1 is on the minus strand). VCF-style: chr9-132901589-C-T. GRCh37 (hg19) VCF-style: chr9-135776976-C-T.
Other names: c.2499G>A, p.Lys833= (NM_001162426.2, NM_001406597.1, NM_001406598.1 and 2 more transcripts); c.2349G>A, p.Lys783= (NM_001162427.2, NM_001406610.1); c.2139G>A, p.Lys713= (NM_001362177.2, NM_001406614.1, NM_001406615.1 and 4 more transcripts); c.2502G>A, p.Lys834= (NM_001406592.1, NM_001406593.1, NM_001406594.1 and 2 more transcripts); c.2487G>A, p.Lys829= (NM_001406601.1, NM_001406602.1); c.2484G>A, p.Lys828= (NM_001406603.1, NM_001406604.1); c.2346G>A, p.Lys782= (NM_001406611.1, NM_001406612.1); c.2136G>A, p.Lys712= (NM_001406620.1, NM_001406621.1, NM_001406622.1 and 1 more transcripts); and 8 more.
Identifiers: ClinVar variation 2500701 (VCV002500701.2), dbSNP rs2538570287, ClinGen allele CA467590423.
Genomic context (GRCh38, chr9:132,901,589, plus strand): 5'-AAGGAAGAATGTTAGCAAATGGTGTTTCAGCAGATTCAGGTCTGCCTCATTTCTTCTTAC[C>T]TTTTGGGAAACCTGACTGAGCAGCAGCTCAGTGTGACACACCTTGTTGTTGGCCTTCTTC-3'
Protein context (NP_000359.1, residues 824-844): TELLLSQVSQ[Lys834=]LSNSESVQQQ